The following is an entry in ClinVar:

NM_021098.3(CACNA1H):c.3601C>A (p.Pro1201Thr)

Gene: CACNA1H (calcium voltage-gated channel subunit alpha1 H; plus strand). Cytogenetic location: 16p13.3.
Variant type: single nucleotide variant.
Coding change: c.3601C>A on transcript NM_021098.3 (MANE Select); coding-DNA position 3601, C replaced by A.
Protein change: p.Pro1201Thr; replaces proline 1201 with threonine.
Molecular consequence: missense variant.
Genome position (GRCh38, 1-based): chr16:1,209,269, C>A. VCF-style: chr16-1209269-C-A. GRCh37 (hg19) VCF-style: chr16-1259269-C-A.
Other names: c.3601C>A, p.Pro1201Thr (NM_001005407.2); short protein forms P1201T.
Identifiers: ClinVar variation 574038 (VCV000574038.9), dbSNP rs1185269498, ClinGen allele CA394174115.

ClinVar aggregate classification (germline): Uncertain significance (1 of 4 stars; one submission).

Conditions:
Idiopathic generalized epilepsy. Also called: Generalised epilepsy; EIG. Identifiers: MedGen C0270850, MONDO:0005579, OMIM 600669.
Hyperaldosteronism, familial, type IV (HALD4). Also called: FH IV; ALDOSTERONISM, PRIMARY, AND HYPERTENSION. Identifiers: Orphanet 642671, MedGen C4310756, MONDO:0014875, OMIM 617027.

Submission:

Labcorp Genetics (formerly Invitae), Labcorp
Classification: Uncertain significance for Idiopathic generalized epilepsy; Hyperaldosteronism, familial, type IV. Last evaluated: 2018-10-04. Review status: criteria provided, single submitter. Criteria: Invitae Variant Classification Sherloc (09022015). Collection method: clinical testing. Allele origin: germline.
Comment: In summary, the available evidence is currently insufficient to determine the role of this variant in disease. Therefore, it has been classified as a Variant of Uncertain Significance. Algorithms developed to predict the effect of missense changes on protein structure and function (SIFT, PolyPhen-2, Align-GVGD) all suggest that this variant is likely to be tolerated, but these predictions have not been confirmed by published functional studies and their clinical significance is uncertain. This variant has not been reported in the literature in individuals with CACNA1H-related disease. While this variant is not present in population databases, the frequency information is unreliable, as metrics indicate poor data quality at this position in the ExAC database. This sequence change replaces proline with threonine at codon 1201 of the CACNA1H protein (p.Pro1201Thr). The proline residue is weakly conserved and there is a small physicochemical difference between proline and threonine.